The following is an entry in ClinVar:

ClinVar aggregate classification (germline): Pathogenic (1 of 4 stars; one submission).

Conditions:
Peutz-Jeghers syndrome (PJS). Also called: Peutz-Jeghers polyposis; Periorificial lentiginosis syndrome; POLYPOSIS, HAMARTOMATOUS INTESTINAL; POLYPS-AND-SPOTS SYNDROME. Identifiers: Orphanet 2869, MedGen C0031269, MeSH D010580, MONDO:0008280, OMIM 175200.

Submission:

Department of Clinical Genetics, Copenhagen University Hospital, Rigshospitalet
Classification: Pathogenic for Peutz-Jeghers syndrome. Last evaluated: 2025-01-10. Review status: criteria provided, single submitter. Criteria: ACMG Guidelines, 2015. Collection method: clinical testing. Allele origin: germline. Affected: yes.
Comment: The following ACMG criteria was used: PVS1; PM2_SUP; PS4_SUP

Literature cited by the submitters: PubMed 37017260.

NM_000455.5(STK11):c.181_182del (p.Gly61fs)

Gene: STK11 (serine/threonine kinase 11; plus strand). Cytogenetic location: 19p13.3.
Variant type: Deletion.
Coding change: c.181_182del on transcript NM_000455.5 (MANE Select); coding-DNA positions 181 to 182, 2 bases deleted (GG; older notation c.181_182delGG).
Protein change: p.Gly61fs; shifts the reading frame from glycine 61.
Molecular consequence: frameshift variant. On other transcripts: non-coding transcript variant (1).
Genome position (GRCh38, 1-based): chr19:1,207,094-1,207,095, GG deleted. VCF-style (leftmost placement, unchanged base first): chr19-1207093-CGG-C. GRCh37 (hg19) VCF-style: chr19-1207092-CGG-C.
Other names: c.181_182del, p.Gly61fs (NM_001407255.1); short protein forms G61fs.
Identifiers: ClinVar variation 3600326 (VCV003600326.1).